The following is an entry in ClinVar:

NM_000179.3(MSH6):c.1028C>T (p.Pro343Leu)

Gene: MSH6 (mutS homolog 6; plus strand). Cytogenetic location: 2p16.3.
Variant type: single nucleotide variant.
Coding change: c.1028C>T on transcript NM_000179.3 (MANE Select); coding-DNA position 1028, C replaced by T.
Protein change: p.Pro343Leu; replaces proline 343 with leucine.
Molecular consequence: missense variant.
Genome position (GRCh38, 1-based): chr2:47,799,011, C>T. VCF-style: chr2-47799011-C-T. GRCh37 (hg19) VCF-style: chr2-48026150-C-T.
Other names: p.P343L:CCT>CTT; c.638C>T, p.Pro213Leu (NM_001281492.2); c.122C>T, p.Pro41Leu (NM_001281493.2, NM_001281494.2); short protein forms P343L, P213L, P41L.
Identifiers: ClinVar variation 127552 (VCV000127552.21), dbSNP rs548898238, ClinGen allele CA007823.

ClinVar aggregate classification (germline): Conflicting classifications of pathogenicity. Review status: criteria provided, conflicting classifications (1 of 4 stars). 6 submissions from 6 submitters: Uncertain significance (5); Benign (1). Last evaluated 2026-01-06.

Conditions:
Hereditary nonpolyposis colorectal neoplasms. Identifiers: MedGen C0009405, MeSH D003123.
Hereditary cancer-predisposing syndrome. Also called: Hereditary Cancer Syndrome; Hereditary neoplastic syndrome; Tumor predisposition; Neoplastic Syndromes, Hereditary. Identifiers: Orphanet 140162, MedGen C0027672, MeSH D009386, MONDO:0015356.
Lynch syndrome. Identifiers: Orphanet 144, MedGen C4552100, MONDO:0005835. Disease mechanism: loss of function.
Endometrial carcinoma. Also called: Endometrial carcinoma, somatic. Identifiers: MedGen C0476089, MONDO:0002447, OMIM 608089, HP:0012114.

Allele frequency attached by ClinVar (database versions not stated): gnomAD exomes below 0.00001; ExAC 0.00001; gnomAD 0.00001 and 0.00002; TOPMed 0.00002; 1000 Genomes Project 0.00040; 1000 Genomes Project 30x 0.00047.
gnomAD v4.1: 7 of 1,614,220 alleles (0.00043%); highest among the groups gnomAD compares: African/African-American, 0.004%; 1 homozygote.

Submissions (6):

Labcorp Genetics (formerly Invitae), Labcorp
Classification: Benign for Hereditary nonpolyposis colorectal neoplasms. Last evaluated: 2026-01-06. Review status: criteria provided, single submitter. Criteria: Invitae Variant Classification Sherloc (09022015). Collection method: clinical testing. Allele origin: germline.

Quest Diagnostics Nichols Institute San Juan Capistrano
Classification: Uncertain significance. Last evaluated: 2025-08-26. Review status: criteria provided, single submitter. Criteria: Quest Diagnostics criteria. Collection method: clinical testing. Allele origin: unknown.
Comment: The MSH6 c.1028C>T (p.Pro343Leu) variant has been reported in the published literature in an individual with malignant seminoma (PMID: 36091175 (2024)) and at least one individual that received genetic hereditary cancer testing (PMID: 25318351 (2014)). The frequency of this variant in the general population (Genome Aggregation Database) is uninformative in the assessment of its pathogenicity. Analysis of this variant using bioinformatics tools for the prediction of the effect of amino acid changes on protein structure and function yielded predictions that this variant is benign. Based on the available information, we are unable to determine the clinical significance of this variant.

Ambry Genetics
Classification: Uncertain significance for Hereditary cancer-predisposing syndrome. Last evaluated: 2024-05-27. Review status: criteria provided, single submitter. Criteria: Ambry Variant Classification Scheme 2023. Collection method: clinical testing. Allele origin: germline.
Comment: The p.P343L variant (also known as c.1028C>T), located in coding exon 4 of the MSH6 gene, results from a C to T substitution at nucleotide position 1028. The proline at codon 343 is replaced by leucine, an amino acid with some similar properties. This amino acid position is well conserved in available vertebrate species. In addition, the in silico prediction for this alteration is inconclusive. Since supporting evidence is limited at this time, the clinical significance of this alteration remains unclear.

All of Us Research Program, National Institutes of Health
Classification: Uncertain significance for Lynch syndrome. Last evaluated: 2024-03-24. Review status: criteria provided, single submitter. Criteria: ACMG Guidelines, 2015. Collection method: clinical testing. Allele origin: germline. Inheritance: Autosomal dominant inheritance. Observed: 1 variant allele, 1 heterozygote.
Comment: This missense variant replaces proline with leucine at codon 343 of the MSH6 protein. Computational prediction is inconclusive regarding the impact of this variant on protein structure and function (internally defined REVEL score threshold 0.5 < inconclusive < 0.7, PMID: 27666373). To our knowledge, functional studies have not been reported for this variant. This variant has been reported in an individual who underwent genetic hereditary cancer testing (PMID: 25318351). This variant has also been reported in an individual affected with malignant seminoma (PMID: 36091175). This variant has been identified in 2/282698 chromosomes in the general population by the Genome Aggregation Database (gnomAD). The available evidence is insufficient to determine the role of this variant in disease conclusively. Therefore, this variant is classified as a Variant of Uncertain Significance.

This study involves interpretation of variants in research participants for the purpose of population health screening. Participant phenotype was not available at the time of variant classification. Additional details can be found in publication PMID: 35346344, PMCID: PMC8962531

Baylor Genetics
Classification: Uncertain significance for Endometrial carcinoma. Last evaluated: 2023-11-29. Review status: criteria provided, single submitter. Criteria: ACMG Guidelines, 2015. Collection method: clinical testing. Allele origin: unknown.

GeneDx
Classification: Uncertain significance. Last evaluated: 2023-11-06. Review status: criteria provided, single submitter. Criteria: GeneDx Variant Classification Process June 2021. Collection method: clinical testing. Allele origin: germline. Affected: yes.
Comment: Not observed at significant frequency in large population cohorts (gnomAD); In silico analysis supports that this missense variant has a deleterious effect on protein structure/function; This variant is associated with the following publications: (PMID: 21437237, 36091175, 25318351)

Literature cited by the submitters: PubMed 36091175 (cited by Quest Diagnostics Nichols Institute San Juan Capistrano and All of Us Research Program, National Institutes of Health); PubMed 25318351 (cited by Quest Diagnostics Nichols Institute San Juan Capistrano and All of Us Research Program, National Institutes of Health).